The following is an entry in ClinVar:

ClinVar aggregate classification (germline): Benign/Likely benign. Review status: criteria provided, multiple submitters, no conflicts (2 of 4 stars). 7 submissions from 7 submitters: Benign (1); Likely benign (3). 3 of the submissions do not count toward it. Last evaluated 2026-02-02.

Conditions:
FLNB-related disorder. Also called: FLNB-related condition; FLNB-related disorders. Identifiers: MedGen CN381095.

Allele frequency attached by ClinVar (database versions not stated): gnomAD exomes 0.00034 and 0.00066; ExAC 0.00079; gnomAD 0.00217 and 0.00229; TOPMed 0.00234; ESP Exome Variant Server 0.00246; 1000 Genomes Project 0.00359; 1000 Genomes Project 30x 0.00359.
gnomAD v4.1: 847 of 1,613,802 alleles (0.052%); highest among the groups gnomAD compares: African/African-American, 0.71%; 2 homozygotes.

Submissions (7):

Labcorp Genetics (formerly Invitae), Labcorp
Classification: Likely benign. Last evaluated: 2026-02-02. Review status: criteria provided, single submitter. Criteria: Invitae Variant Classification Sherloc (09022015). Collection method: clinical testing. Allele origin: germline.

Blueprint Genetics
Classification: Likely benign. Last evaluated: 2024-11-12. Review status: criteria provided, single submitter. Criteria: ACMG Guidelines, 2015. Collection method: clinical testing. Allele origin: germline.

GeneDx
Classification: Likely benign. Last evaluated: 2020-05-28. Review status: criteria provided, single submitter. Criteria: GeneDx Variant Classification Process June 2021. Collection method: clinical testing. Allele origin: germline. Affected: yes.

ARUP Laboratories, Molecular Genetics and Genomics, ARUP Laboratories
Classification: Benign. Last evaluated: 2020-02-16. Review status: criteria provided, single submitter. Criteria: ARUP Molecular Germline Variant Investigation Process. Collection method: clinical testing. Allele origin: germline.

PreventionGenetics, part of Exact Sciences
Classification: Likely benign for FLNB-related condition. Last evaluated: 2024-02-13. Review status: no assertion criteria provided. Collection method: clinical testing. Allele origin: germline. Not counted in ClinVar's aggregate classification.
Comment: This variant is classified as likely benign based on ACMG/AMP sequence variant interpretation guidelines (Richards et al. 2015 PMID: 25741868, with internal and published modifications).

Clinical Genetics DNA and cytogenetics Diagnostics Lab, Erasmus MC, Erasmus Medical Center
Classification: Likely benign. Review status: no assertion criteria provided. Collection method: clinical testing. Allele origin: germline. Affected: yes. Study: VKGL Data-share Consensus. Not counted in ClinVar's aggregate classification.

Laboratory of Diagnostic Genome Analysis, Leiden University Medical Center (LUMC)
Classification: Likely benign. Review status: no assertion criteria provided. Collection method: clinical testing. Allele origin: germline. Affected: yes. Study: VKGL Data-share Consensus. Not counted in ClinVar's aggregate classification.

NM_001457.4(FLNB):c.274A>G (p.Ile92Val)

Gene: FLNB (filamin B; plus strand). Cytogenetic location: 3p14.3.
Variant type: single nucleotide variant.
Coding change: c.274A>G on transcript NM_001457.4 (MANE Select); coding-DNA position 274, A replaced by G.
Protein change: p.Ile92Val; replaces isoleucine 92 with valine.
Molecular consequence: missense variant.
Genome position (GRCh38, 1-based): chr3:58,008,838, A>G. VCF-style: chr3-58008838-A-G. GRCh37 (hg19) VCF-style: chr3-57994565-A-G.
Other names: c.274A>G, p.Ile92Val (NM_001164317.2, NM_001164318.2, NM_001164319.2); short protein forms I92V.
Identifiers: ClinVar variation 506644 (VCV000506644.25), dbSNP rs62622011, ClinGen allele CA2467484.